The following is an entry in ClinVar:

ClinVar aggregate classification (germline): Likely pathogenic (1 of 4 stars; one submission).

Conditions:
Retinitis pigmentosa 39 (RP39). Identifiers: Orphanet 791, MedGen C3151138, MONDO:0013436, OMIM 613809.

Submission:

3billion
Classification: Likely pathogenic for Retinitis pigmentosa 39. Last evaluated: 2025-11-25. Review status: criteria provided, single submitter. Criteria: ACMG Guidelines, 2015. Collection method: clinical testing. Allele origin: germline. Affected: yes.
Comment: The variant is not observed in the gnomAD v4.1.0 dataset. Predicted Consequence/Location: Stop-gained (nonsense): predicted to result in a loss or disruption of normal protein function through nonsense-mediated decay (NMD) or protein truncation. Multiple pathogenic variants are reported downstream of the variant. Therefore, this variant is classified as Likely pathogenic according to the recommendation of ACMG/AMP guideline.

NM_206933.4(USH2A):c.5063G>A (p.Trp1688Ter)

Genes: USH2A (usherin; minus strand), USH2A-AS2 (USH2A antisense RNA 2; plus strand). Cytogenetic location: 1q41.
Variant type: single nucleotide variant.
Coding change: c.5063G>A on transcript NM_206933.4 (MANE Select); coding-DNA position 5063, G replaced by A.
Protein change: p.Trp1688Ter; replaces tryptophan 1688 with a stop codon.
Molecular consequence: nonsense.
Genome position (GRCh38, 1-based): chr1:216,084,802, C>T on the plus strand (G>A on the coding strand, the complement: USH2A is on the minus strand). VCF-style: chr1-216084802-C-T. GRCh37 (hg19) VCF-style: chr1-216258144-C-T.
Other names: short protein forms W1688*.
Identifiers: ClinVar variation 4855885 (VCV004855885.1).